The following is an entry in ClinVar:

ClinVar aggregate classification (germline): Uncertain significance (1 of 4 stars; one submission).

Conditions:
Immunodeficiency 51 (IMD51). Also called: CANDIDIASIS, FAMILIAL, 5. Identifiers: Orphanet 1334, MedGen C4310803, MONDO:0013500, OMIM 613953.

Allele frequency attached by ClinVar (database versions not stated): ExAC 0.00001; gnomAD exomes 0.00001; TOPMed 0.00001.
gnomAD v4.1: 3 of 1,606,188 alleles (0.00019%); highest among the groups gnomAD compares: South Asian, 0.0011%; no homozygotes.

Submission:

Labcorp Genetics (formerly Invitae), Labcorp
Classification: Uncertain significance for Immunodeficiency 51. Last evaluated: 2024-02-17. Review status: criteria provided, single submitter. Criteria: Invitae Variant Classification Sherloc (09022015). Collection method: clinical testing. Allele origin: germline.
Comment: This sequence change replaces valine, which is neutral and non-polar, with methionine, which is neutral and non-polar, at codon 475 of the IL17RA protein (p.Val475Met). This variant is present in population databases (rs762540559, gnomAD 0.006%). This variant has not been reported in the literature in individuals affected with IL17RA-related conditions. ClinVar contains an entry for this variant (Variation ID: 1371703). Advanced modeling of protein sequence and biophysical properties (such as structural, functional, and spatial information, amino acid conservation, physicochemical variation, residue mobility, and thermodynamic stability) performed at Invitae indicates that this missense variant is not expected to disrupt IL17RA protein function with a negative predictive value of 80%. In summary, the available evidence is currently insufficient to determine the role of this variant in disease. Therefore, it has been classified as a Variant of Uncertain Significance.

NM_014339.7(IL17RA):c.1423G>A (p.Val475Met)

Gene: IL17RA (interleukin 17 receptor A; plus strand). Cytogenetic location: 22q11.1.
Variant type: single nucleotide variant.
Coding change: c.1423G>A on transcript NM_014339.7 (MANE Select); coding-DNA position 1423, G replaced by A.
Protein change: p.Val475Met; replaces valine 475 with methionine.
Molecular consequence: missense variant.
Genome position (GRCh38, 1-based): chr22:17,108,642, G>A. VCF-style: chr22-17108642-G-A. GRCh37 (hg19) VCF-style: chr22-17589532-G-A.
Other names: c.1321G>A, p.Val441Met (NM_001289905.2); short protein forms V475M, V441M.
Identifiers: ClinVar variation 1371703 (VCV001371703.8), dbSNP rs762540559, ClinGen allele CA10086751.
Genomic context (GRCh38, chr22:17,108,642, plus strand): 5'-TGGCAGGCGCTCCTGGGCCGGGGGGCGCCTGTGCGGCTGCGCTGCGACCACGGAAAGCCC[G>A]TGGGGGACCTGTTCACTGCAGCCATGAACATGATCCTCCCGGACTTCAAGAGGCCAGCCT-3'
Protein context (NP_055154.3, residues 465-485): VRLRCDHGKP[Val475Met]GDLFTAAMNM